The following is an entry in ClinVar:

NM_000393.5(COL5A2):c.4100A>G (p.Asn1367Ser)

Gene: COL5A2 (collagen type V alpha 2 chain; minus strand). Cytogenetic location: 2q32.2.
Variant type: single nucleotide variant.
Coding change: c.4100A>G on transcript NM_000393.5 (MANE Select); coding-DNA position 4100, A replaced by G.
Protein change: p.Asn1367Ser; replaces asparagine 1367 with serine.
Molecular consequence: missense variant.
Genome position (GRCh38, 1-based): chr2:189,036,629, T>C on the plus strand (A>G on the coding strand, the complement: COL5A2 is on the minus strand). VCF-style: chr2-189036629-T-C. GRCh37 (hg19) VCF-style: chr2-189901355-T-C.
Other names: short protein forms N1367S.
Identifiers: ClinVar variation 3678745 (VCV003678745.2).

ClinVar aggregate classification (germline): Uncertain significance (1 of 4 stars; one submission).

Conditions:
Ehlers-Danlos syndrome, classic type, 1 (EDSCL1). Also called: EHLERS-DANLOS SYNDROME, GRAVIS TYPE; EHLERS-DANLOS SYNDROME, SEVERE CLASSIC TYPE; Ehlers-Danlos syndrome, type 1; Ehlers-Danlos Syndrome, Classic Type, COL5A1-Related; EDS I. Identifiers: MedGen C0268335, MONDO:0019567, OMIM 130000.

Submission:

Labcorp Genetics (formerly Invitae), Labcorp
Classification: Uncertain significance for Ehlers-Danlos syndrome, classic type, 1. Last evaluated: 2024-10-16. Review status: criteria provided, single submitter. Criteria: Invitae Variant Classification Sherloc (09022015). Collection method: clinical testing. Allele origin: germline.
Comment: This sequence change replaces asparagine, which is neutral and polar, with serine, which is neutral and polar, at codon 1367 of the COL5A2 protein (p.Asn1367Ser). This variant is not present in population databases (gnomAD no frequency). This variant has not been reported in the literature in individuals affected with COL5A2-related conditions. Invitae Evidence Modeling of protein sequence and biophysical properties (such as structural, functional, and spatial information, amino acid conservation, physicochemical variation, residue mobility, and thermodynamic stability) indicates that this missense variant is not expected to disrupt COL5A2 protein function with a negative predictive value of 80%. In summary, the available evidence is currently insufficient to determine the role of this variant in disease. Therefore, it has been classified as a Variant of Uncertain Significance.